The following is an entry in ClinVar:

NM_016310.5(POLR3K):c.30C>T (p.Asn10=)

Gene: POLR3K (RNA polymerase III subunit K; minus strand). Cytogenetic location: 16p13.3.
Variant type: single nucleotide variant.
Coding change: c.30C>T on transcript NM_016310.5 (MANE Select); coding-DNA position 30, C replaced by T.
Protein change: p.Asn10=; no amino-acid change (asparagine 10 retained).
Molecular consequence: synonymous variant.
Genome position (GRCh38, 1-based): chr16:53,557, G>A on the plus strand (C>T on the coding strand, the complement: POLR3K is on the minus strand). VCF-style: chr16-53557-G-A. GRCh37 (hg19) VCF-style: chr16-103557-G-A.
Identifiers: ClinVar variation 3771479 (VCV003771479.13).

ClinVar aggregate classification (germline): Likely benign (1 of 4 stars; one submission).

gnomAD v4.1: 156 of 1,612,996 alleles (0.0097%); highest among the groups gnomAD compares: Non-Finnish European, 0.012%; no homozygotes.

Submission:

CeGaT Center for Human Genetics Tuebingen
Classification: Likely benign. Last evaluated: 2025-01-01. Review status: criteria provided, single submitter. Criteria: CeGaT Center For Human Genetics Tuebingen Variant Classification Criteria Version 2. Collection method: clinical testing. Allele origin: germline. Affected: yes. Observed: 1 variant allele.
Comment: POLR3K: BP4, BP7